The following is an entry in ClinVar:

NM_001369.3(DNAH5):c.13724-1G>C

Gene: DNAH5 (dynein axonemal heavy chain 5; minus strand). Cytogenetic location: 5p15.2.
Variant type: single nucleotide variant.
Coding change: c.13724-1G>C on transcript NM_001369.3 (MANE Select); the canonical splice acceptor site of the intron before coding-DNA position 13724, G replaced by C.
Molecular consequence: splice acceptor variant.
Genome position (GRCh38, 1-based): chr5:13,692,136, C>G on the plus strand (G>C on the coding strand, the complement: DNAH5 is on the minus strand). VCF-style: chr5-13692136-C-G. GRCh37 (hg19) VCF-style: chr5-13692245-C-G.
Identifiers: ClinVar variation 4814866 (VCV004814866.1).

ClinVar aggregate classification (germline): Likely pathogenic (1 of 4 stars; one submission).

Conditions:
Primary ciliary dyskinesia. Also called: Ciliary dyskinesia. Identifiers: Orphanet 244, MedGen C0008780, MONDO:0016575, HP:0012265.

Submission:

Natera, Inc.
Classification: Likely pathogenic for Primary ciliary dyskinesia. Last evaluated: 2025-12-15. Review status: criteria provided, single submitter. Criteria: Natera Variant Classification Schema (03/2026). Collection method: clinical testing. Allele origin: germline.
Comment: The c.13724-1G>C variant in DNAH5 is a canonical splice acceptor site variant predicted to affect pre-mRNA splicing, which may result in an abnormal transcript and altered protein product. This variant may result in a truncated or dysfunctional protein product. This variant is rare in the general population with a frequency below the threshold expected for the associated phenotype(s). This variant has been observed in one or more individuals affected with the associated recessive disease, as either homozygous or compound heterozygous with a second variant (PMID: 32502479). Given the available evidence, this variant is classified as Likely Pathogenic.

Literature cited by the submitters: PubMed 32502479.